The following is an entry in ClinVar:

ClinVar aggregate classification (germline): Uncertain significance (1 of 4 stars; one submission).

Conditions:
Wiskott-Aldrich syndrome 2 (WAS2). Also called: WIPF1 DEFICIENCY. Identifiers: Orphanet 906, MedGen C3281001, MONDO:0013779, OMIM 614493.

gnomAD v4.1: 6 of 1,613,882 alleles (0.00037%); highest among the groups gnomAD compares: Middle Eastern, 0.099%; no homozygotes.

Submission:

Labcorp Genetics (formerly Invitae), Labcorp
Classification: Uncertain significance for Wiskott-Aldrich syndrome 2. Last evaluated: 2019-11-08. Review status: criteria provided, single submitter. Criteria: Invitae Variant Classification Sherloc (09022015). Collection method: clinical testing. Allele origin: germline.
Comment: This sequence change replaces glycine with arginine at codon 79 of the WIPF1 protein (p.Gly79Arg). The glycine residue is highly conserved and there is a moderate physicochemical difference between glycine and arginine. This variant is not present in population databases (ExAC no frequency). This variant has not been reported in the literature in individuals with WIPF1-related conditions. Algorithms developed to predict the effect of missense changes on protein structure and function are either unavailable or do not agree on the potential impact of this missense change (SIFT: "Deleterious"; PolyPhen-2: "Benign"; Align-GVGD: "Class C0"). In summary, the available evidence is currently insufficient to determine the role of this variant in disease. Therefore, it has been classified as a Variant of Uncertain Significance.

NM_001375834.1(WIPF1):c.235G>C (p.Gly79Arg)

Genes: WIPF1 (WAS/WASL interacting protein family member 1; minus strand), WIPF1-AS1 (WIPF1 and CHRNA1 antisense RNA 1; plus strand). Cytogenetic location: 2q31.1.
Variant type: single nucleotide variant.
Coding change: c.235G>C on transcript NM_001375834.1 (MANE Select); coding-DNA position 235, G replaced by C.
Protein change: p.Gly79Arg; replaces glycine 79 with arginine.
Molecular consequence: missense variant. On other transcripts: intron variant (1).
Genome position (GRCh38, 1-based): chr2:174,575,327, C>G on the plus strand (G>C on the coding strand, the complement: WIPF1 is on the minus strand). VCF-style: chr2-174575327-C-G. GRCh37 (hg19) VCF-style: chr2-175440055-C-G.
Other names: c.235G>C, p.Gly79Arg (NM_001077269.1, NM_001375832.1, NM_001375833.1 and 5 more transcripts); c.182-3082G>C (NM_001375839.1); short protein forms G79R.
Identifiers: ClinVar variation 957962 (VCV000957962.1), dbSNP rs531744802, ClinGen allele CA60845846.